The following is an entry in ClinVar:

NM_001348323.3(TRIP12):c.2839G>T (p.Glu947Ter)

Gene: TRIP12 (thyroid hormone receptor interactor 12; minus strand). Cytogenetic location: 2q36.3.
Variant type: single nucleotide variant.
Coding change: c.2839G>T on transcript NM_001348323.3 (MANE Select); coding-DNA position 2839, G replaced by T.
Protein change: p.Glu947Ter; replaces glutamic acid 947 with a stop codon.
Molecular consequence: nonsense.
Genome position (GRCh38, 1-based): chr2:229,804,039, C>A on the plus strand (G>T on the coding strand, the complement: TRIP12 is on the minus strand). VCF-style: chr2-229804039-C-A. GRCh37 (hg19) VCF-style: chr2-230668755-C-A.
Other names: c.2758G>T, p.Glu920Ter (NM_001284214.2, NM_001348315.2); c.2713G>T, p.Glu905Ter (NM_001284215.2, NM_001348316.2, NM_001348317.1 and 1 more transcripts); c.1804G>T, p.Glu602Ter (NM_001284216.2); c.2839G>T, p.Glu947Ter (NM_001348319.1, NM_001348320.2, NM_001348322.1 and 4 more transcripts); c.2842G>T, p.Glu948Ter (NM_001348321.1, NM_001348328.1, NM_001348329.2 and 1 more transcripts); c.2632G>T, p.Glu878Ter (NM_001348331.1); c.2752G>T, p.Glu918Ter (NM_001348332.1); c.2761G>T, p.Glu921Ter (NM_001348333.1); and 1 more; short protein forms E602*, E872*, E878*, E905*, E918*, E920*, E921*, E947*.
Identifiers: ClinVar variation 5019145 (VCV005019145.2).
Genomic context (GRCh38, chr2:229,804,039, plus strand): 5'-TACTATTTTCATTAACACACCTTGAAACAGCATGATTTTTCAGAACATCCTTCAGAAGTT[C>A]AGCATCCGCAAAATAAATTATCCTAAGAATTGCTCTAAGGCACTTATGTCTGACCGCAGG-3'

ClinVar aggregate classification (germline): Likely pathogenic (1 of 4 stars; one submission).

Conditions:
Clark-Baraitser syndrome. Also called: BARAITSER SYNDROME; Mental retardation, tall stature, obesity, macrocephaly and typical facial features; MENTAL RETARDATION, AUTOSOMAL DOMINANT 49; Intellectual disability, autosomal dominant 49. Identifiers: Orphanet 600731, MedGen C2931130, MONDO:0030914, OMIM 617752.

Submission:

Juno Genomics, Hangzhou Juno Genomics, Inc
Classification: Likely pathogenic for Clark-Baraitser syndrome. Review status: criteria provided, single submitter. Criteria: ACMG Guidelines, 2015. Collection method: clinical testing. Allele origin: germline.
Comment: Absent from controls (or at extremely low frequency if recessive) in Genome Aggregation Database.;Null variant in a gene where loss of function (LOF) is a known mechanism of disease.